The following is an entry in ClinVar:

NM_000038.6(APC):c.7880C>T (p.Ser2627Phe)

Gene: APC (APC regulator of Wnt signaling pathway; plus strand). Cytogenetic location: 5q22.2.
Variant type: single nucleotide variant.
Coding change: c.7880C>T on transcript NM_000038.6 (MANE Select); coding-DNA position 7880, C replaced by T.
Protein change: p.Ser2627Phe; replaces serine 2627 with phenylalanine.
Molecular consequence: missense variant.
Genome position (GRCh38, 1-based): chr5:112,843,474, C>T. VCF-style: chr5-112843474-C-T. GRCh37 (hg19) VCF-style: chr5-112179171-C-T.
Other names: c.7880C>T, p.Ser2627Phe (NM_001127510.3, NM_001354895.2); c.7826C>T, p.Ser2609Phe (NM_001127511.3); c.7934C>T, p.Ser2645Phe (NM_001354896.2); c.7910C>T, p.Ser2637Phe (NM_001354897.2); c.7805C>T, p.Ser2602Phe (NM_001354898.2); c.7796C>T, p.Ser2599Phe (NM_001354899.2); c.7757C>T, p.Ser2586Phe (NM_001354900.2); c.7703C>T, p.Ser2568Phe (NM_001354901.2); and 5 more; short protein forms S2344F, S2526F, S2536F, S2599F, S2609F, S2627F, S2501F, S2467F.
Identifiers: ClinVar variation 939073 (VCV000939073.13), dbSNP rs767337020, ClinGen allele CA049365.
Genomic context (GRCh38, chr5:112,843,474, plus strand): 5'-CCGCAAAAGGAACATGGAGAAAAATAAAAGAAAATGAATTTTCTCCCACAAATAGTACTT[C>T]TCAGACCGTTTCCTCAGGTGCTACAAATGGTGCTGAATCAAAGACTCTAATTTATCAAAT-3'
Protein context (NP_000029.2, residues 2617-2637): ENEFSPTNST[Ser2627Phe]QTVSSGATNG

ClinVar aggregate classification (germline): Uncertain significance. Review status: criteria provided, multiple submitters, no conflicts (2 of 4 stars). 2 submissions from 2 submitters: Uncertain significance (2). Last evaluated 2020-03-23.

Conditions:
Familial adenomatous polyposis 1 (FAP1). Also called: FAMILIAL ADENOMATOUS POLYPOSIS 1, ATTENUATED; POLYPOSIS, ADENOMATOUS INTESTINAL. Identifiers: MedGen C2713442, MONDO:0021056, OMIM 175100. Disease mechanism: loss of function.
Hereditary cancer-predisposing syndrome. Also called: Hereditary neoplastic syndrome; Neoplastic Syndromes, Hereditary; Tumor predisposition; Hereditary Cancer Syndrome. Identifiers: Orphanet 140162, MedGen C0027672, MeSH D009386, MONDO:0015356.

Allele frequency attached by ClinVar (database versions not stated): gnomAD exomes below 0.00001; ExAC 0.00001.
gnomAD v4.1: 1 of 1,613,984 alleles (0.000062%); highest among the groups gnomAD compares: Non-Finnish European, 0.000085%; no homozygotes.

Submissions (2):

Ambry Genetics
Classification: Uncertain significance for Hereditary cancer-predisposing syndrome. Last evaluated: 2020-03-23. Review status: criteria provided, single submitter. Criteria: Ambry Variant Classification Scheme 2023. Collection method: clinical testing. Allele origin: germline.
Comment: The p.S2627F variant (also known as c.7880C>T), located in coding exon 15 of the APC gene, results from a C to T substitution at nucleotide position 7880. The serine at codon 2627 is replaced by phenylalanine, an amino acid with highly dissimilar properties. This amino acid position is not well conserved in available vertebrate species. In addition, in silico predictors for this gene do not accurately predict pathogenicity. Since supporting evidence is limited at this time, the clinical significance of this alteration remains unclear.

Labcorp Genetics (formerly Invitae), Labcorp
Classification: Uncertain significance for Familial adenomatous polyposis 1. Last evaluated: 2019-07-25. Review status: criteria provided, single submitter. Criteria: Invitae Variant Classification Sherloc (09022015). Collection method: clinical testing. Allele origin: germline.
Comment: In summary, the available evidence is currently insufficient to determine the role of this variant in disease. Therefore, it has been classified as a Variant of Uncertain Significance. Algorithms developed to predict the effect of missense changes on protein structure and function are either unavailable or do not agree on the potential impact of this missense change (SIFT: "Deleterious"; PolyPhen-2: "Benign"; Align-GVGD: "Class C0"). This variant has not been reported in the literature in individuals with APC-related conditions. The frequency data for this variant in the population databases is considered unreliable, as metrics indicate poor data quality at this position in the ExAC database. This sequence change replaces serine with phenylalanine at codon 2627 of the APC protein (p.Ser2627Phe). The serine residue is moderately conserved and there is a large physicochemical difference between serine and phenylalanine.